The following is an entry in ClinVar:

NM_182914.3(SYNE2):c.17192G>A (p.Arg5731His)

Gene: SYNE2 (spectrin repeat containing nuclear envelope protein 2; plus strand). Cytogenetic location: 14q23.2.
Variant type: single nucleotide variant.
Coding change: c.17192G>A on transcript NM_182914.3 (MANE Select); coding-DNA position 17192, G replaced by A.
Protein change: p.Arg5731His; replaces arginine 5731 with histidine.
Molecular consequence: missense variant.
Genome position (GRCh38, 1-based): chr14:64,170,419, G>A. VCF-style: chr14-64170419-G-A. GRCh37 (hg19) VCF-style: chr14-64637137-G-A.
Other names: c.17192G>A, p.Arg5731His (NM_015180.6); short protein forms R5731H.
Identifiers: ClinVar variation 3964518 (VCV003964518.2).

ClinVar aggregate classification (germline): Uncertain significance. Review status: criteria provided, multiple submitters, no conflicts (2 of 4 stars). 2 submissions from 2 submitters: Uncertain significance (2). Last evaluated 2025-07-27.

Conditions:
Emery-Dreifuss muscular dystrophy 5, autosomal dominant (EDMD5). Also called: EMERY-DREIFUSS MUSCULAR DYSTROPHY 5. Identifiers: Orphanet 261, MedGen C2751805, MONDO:0013072, OMIM 612999.

gnomAD v4.1: 9 of 1,613,816 alleles (0.00056%); highest among the groups gnomAD compares: Middle Eastern, 0.016%; no homozygotes.

Submissions (2):

Labcorp Genetics (formerly Invitae), Labcorp
Classification: Uncertain significance for Emery-Dreifuss muscular dystrophy 5, autosomal dominant. Last evaluated: 2025-07-27. Review status: criteria provided, single submitter. Criteria: Invitae Variant Classification Sherloc (09022015). Collection method: clinical testing. Allele origin: germline.
Comment: This sequence change replaces arginine, which is basic and polar, with histidine, which is basic and polar, at codon 5731 of the SYNE2 protein (p.Arg5731His). This variant is present in population databases (no rsID available, gnomAD 0.0009%). This variant has not been reported in the literature in individuals affected with SYNE2-related conditions. An algorithm developed to predict the effect of missense changes on protein structure and function outputs the following: PolyPhen-2: "Benign". The histidine amino acid residue is found in multiple mammalian species, which suggests that this missense change does not adversely affect protein function. In summary, the available evidence is currently insufficient to determine the role of this variant in disease. Therefore, it has been classified as a Variant of Uncertain Significance.

Ambry Genetics
Classification: Uncertain significance. Last evaluated: 2025-06-12. Review status: criteria provided, single submitter. Criteria: Ambry Variant Classification Scheme 2023. Collection method: clinical testing. Allele origin: germline.